The following is an entry in ClinVar:

NM_000533.5(PLP1):c.453+164G>A

Genes: PLP1 (proteolipid protein 1; plus strand), RAB9B (RAB9B, member RAS oncogene family; minus strand). Cytogenetic location: Xq22.2.
Variant type: single nucleotide variant.
Coding change: c.453+164G>A on transcript NM_000533.5 (MANE Select); 164 bases into the intron after coding-DNA position 453, G replaced by A.
Molecular consequence: intron variant.
Genome position (GRCh38, 1-based): chrX:103,786,890, G>A. VCF-style: chrX-103786890-G-A. GRCh37 (hg19) VCF-style: chrX-103041819-G-A.
Other names: c.453+164G>A (NM_001128834.3); c.348+269G>A (NM_199478.3); c.288+164G>A (NM_001305004.1).
Identifiers: ClinVar variation 816706 (VCV000816706.4), dbSNP rs1602383268, ClinGen allele CA915952360.

ClinVar aggregate classification (germline): Likely pathogenic. Review status: criteria provided, single submitter (1 of 4 stars). 2 submissions from 2 submitters: Likely pathogenic (1). 1 of the submissions does not count toward it. Last evaluated 2021-12-08.

Conditions:
Pelizaeus-Merzbacher disease. Also called: Sudanophilic leukodystrophy; Pelizeaus-Merzbacher spectrum disorder; Pelizaeus-Merzbacher spectrum disorder; Pelizaeus-Merzbacher Disease (PMD); LEUKODYSTROPHY, HYPOMYELINATING, 1. Identifiers: Orphanet 702, MedGen C0205711, MONDO:0010714, OMIM 312080, HP:0003269.

Submissions (2):

Molecular Diagnostics Lab, Nemours Children's Health, Delaware
Classification: Likely pathogenic for Pelizaeus-Merzbacher disease. Last evaluated: 2021-12-08. Review status: criteria provided, single submitter. Criteria: ACMG Guidelines, 2015. Collection method: clinical testing. Allele origin: unknown. Inheritance: X-linked inheritance. Affected: yes. Observed: 1 hemizygote.
Comment: This intronic variant (c.453+164G>A) has not been observed in population databases (gnomAD). It has been described in the literature, and functional studies indicate a deleterious effect on expression of the PLP protein (PMID 26125040, PMID 24890387).

GeneReviews
No classification provided. Condition: Pelizaeus-Merzbacher disease. Review status: no classification provided. Collection method: literature only. Allele origin: germline. Not counted in ClinVar's aggregate classification.

Literature cited by the submitters: PubMed 26125040 (cited by Molecular Diagnostics Lab, Nemours Children's Health, Delaware and GeneReviews); PubMed 24890387 (cited by Molecular Diagnostics Lab, Nemours Children's Health, Delaware); PubMed 20301361 (cited by GeneReviews).